The following is an entry in ClinVar:

NM_001363118.2(SLC52A2):c.397C>A (p.Leu133Met)

Gene: SLC52A2 (solute carrier family 52 member 2; plus strand). Cytogenetic location: 8q24.3.
Variant type: single nucleotide variant.
Coding change: c.397C>A on transcript NM_001363118.2 (MANE Select); coding-DNA position 397, C replaced by A.
Protein change: p.Leu133Met; replaces leucine 133 with methionine.
Molecular consequence: missense variant. On other transcripts: non-coding transcript variant (1), intron variant (1).
Genome position (GRCh38, 1-based): chr8:144,359,889, C>A. VCF-style: chr8-144359889-C-A. GRCh37 (hg19) VCF-style: chr8-145583549-C-A.
Other names: c.397C>A, p.Leu133Met (NM_001253815.2, NM_001253816.2, NM_001363120.2 and 2 more transcripts); c.131-226C>A (NM_001363122.2); short protein forms L133M.
Identifiers: ClinVar variation 655793 (VCV000655793.8), dbSNP rs782582813, ClinGen allele CA4938183.

ClinVar aggregate classification (germline): Uncertain significance. Review status: criteria provided, multiple submitters, no conflicts (2 of 4 stars). 2 submissions from 2 submitters: Uncertain significance (2). Last evaluated 2025-10-02.

Conditions:
Brown-Vialetto-van Laere syndrome 2. Also called: SPINOCEREBELLAR ATAXIA WITH BLINDNESS AND DEAFNESS 2; Riboflavin transporter deficiency type 2. Identifiers: Orphanet 572543, Orphanet 97229, MedGen C3553538, MONDO:0013867, OMIM 614707.
Inborn genetic diseases. Identifiers: MedGen C0950123, MeSH D030342.

Allele frequency attached by ClinVar (database versions not stated): gnomAD 0.00001; TOPMed 0.00001; ExAC 0.00002.
gnomAD v4.1: 42 of 1,613,656 alleles (0.0026%); highest among the groups gnomAD compares: Non-Finnish European, 0.0034%; no homozygotes.

Submissions (2):

Labcorp Genetics (formerly Invitae), Labcorp
Classification: Uncertain significance for Brown-Vialetto-van Laere syndrome 2. Last evaluated: 2025-10-02. Review status: criteria provided, single submitter. Criteria: Invitae Variant Classification Sherloc (09022015). Collection method: clinical testing. Allele origin: germline.
Comment: This sequence change replaces leucine, which is neutral and non-polar, with methionine, which is neutral and non-polar, at codon 133 of the SLC52A2 protein (p.Leu133Met). This variant is present in population databases (rs782582813, gnomAD 0.005%). This variant has not been reported in the literature in individuals affected with SLC52A2-related conditions. ClinVar contains an entry for this variant (Variation ID: 655793). Invitae Evidence Modeling of protein sequence and biophysical properties (such as structural, functional, and spatial information, amino acid conservation, physicochemical variation, residue mobility, and thermodynamic stability) has been performed for this missense variant. However, the output from this modeling did not meet the statistical confidence thresholds required to predict the impact of this variant on SLC52A2 protein function. In summary, the available evidence is currently insufficient to determine the role of this variant in disease. Therefore, it has been classified as a Variant of Uncertain Significance.

Ambry Genetics
Classification: Uncertain significance for Inborn genetic diseases. Last evaluated: 2023-11-30. Review status: criteria provided, single submitter. Criteria: Ambry Variant Classification Scheme 2023. Collection method: clinical testing. Allele origin: germline.